The following is an entry in ClinVar:

NM_001023.4(RPS20):c.103+10T>G

Gene: RPS20 (ribosomal protein S20; minus strand). Cytogenetic location: 8q12.1.
Variant type: single nucleotide variant.
Coding change: c.103+10T>G on transcript NM_001023.4 (MANE Select); 10 bases into the intron after coding-DNA position 103, T replaced by G.
Molecular consequence: intron variant.
Genome position (GRCh38, 1-based): chr8:56,074,050, A>C on the plus strand (T>G on the coding strand, the complement: RPS20 is on the minus strand). VCF-style: chr8-56074050-A-C. GRCh37 (hg19) VCF-style: chr8-56986609-A-C.
Other names: c.103+10T>G (NM_001146227.3).
Identifiers: ClinVar variation 5042464 (VCV005042464.1).
Genomic context (GRCh38, chr8:56,074,050, plus strand): 5'-AACATTAACGAGTAAAGCTCGTCGCTTTTCGCCCAATTCCCCCTCCCCCCCGCATAACGA[A>C]TGCACTGACCCTTTTCCAAGGATTTTACGTTGCGGCTTGTTAGGGTGATTCGAATTCGGT-3'

ClinVar aggregate classification (germline): Likely benign (1 of 4 stars; one submission).

Conditions:
Familial colorectal cancer type X. Identifiers: Orphanet 440437, MedGen C3896578, MONDO:0018604.

gnomAD v4.1: 1 of 1,606,544 alleles (0.000062%); highest among the groups gnomAD compares: East Asian, 0.0022%; no homozygotes.

Submission:

Myriad Genetics, Inc.
Classification: Likely benign for Familial colorectal cancer type X. Last evaluated: 2026-07-31. Review status: criteria provided, single submitter. Criteria: Myriad Autosomal Dominant, Autosomal Recessive and X-Linked Classification Criteria (2023). Collection method: clinical testing. Allele origin: unknown.
Comment: This variant is considered likely benign. This variant is intronic and is not expected to impact mRNA splicing.